The following is an entry in ClinVar:

ClinVar aggregate classification (germline): Uncertain significance (1 of 4 stars; one submission).

Submission:

Labcorp Genetics (formerly Invitae), Labcorp
Classification: Uncertain significance. Last evaluated: 2024-07-27. Review status: criteria provided, single submitter. Criteria: Invitae Variant Classification Sherloc (09022015). Collection method: clinical testing. Allele origin: germline.
Comment: This sequence change replaces isoleucine, which is neutral and non-polar, with methionine, which is neutral and non-polar, at codon 755 of the MYO7A protein (p.Ile755Met). This variant is not present in population databases (gnomAD no frequency). This variant has not been reported in the literature in individuals affected with MYO7A-related conditions. Advanced modeling of protein sequence and biophysical properties (such as structural, functional, and spatial information, amino acid conservation, physicochemical variation, residue mobility, and thermodynamic stability) performed at Invitae indicates that this missense variant is not expected to disrupt MYO7A protein function with a negative predictive value of 95%. In summary, the available evidence is currently insufficient to determine the role of this variant in disease. Therefore, it has been classified as a Variant of Uncertain Significance.

NM_000260.4(MYO7A):c.2265C>G (p.Ile755Met)

Gene: MYO7A (myosin VIIA; plus strand). Cytogenetic location: 11q13.5.
Variant type: single nucleotide variant.
Coding change: c.2265C>G on transcript NM_000260.4 (MANE Select); coding-DNA position 2265, C replaced by G.
Protein change: p.Ile755Met; replaces isoleucine 755 with methionine.
Molecular consequence: missense variant.
Genome position (GRCh38, 1-based): chr11:77,177,626, C>G. VCF-style: chr11-77177626-C-G. GRCh37 (hg19) VCF-style: chr11-76888672-C-G.
Other names: c.2265C>G, p.Ile755Met (NM_001127180.2); c.2232C>G, p.Ile744Met (NM_001369365.1); short protein forms I744M, I755M.
Identifiers: ClinVar variation 3635445 (VCV003635445.2).
Genomic context (GRCh38, chr11:77,177,626, plus strand): 5'-GCTGGAAGTGGAGCGGGACAAAGCCATCACCGACAGAGTCATCCTCCTTCAGAAAGTCAT[C>G]CGGGGATTCAAAGACAGGTGCGTGTTCCCACCAGCTCCTCCCCTCCTCAGCCCACATACA-3'
Protein context (NP_000251.3, residues 745-765): TDRVILLQKV[Ile755Met]RGFKDRSNFL